The following is an entry in ClinVar:

NM_000488.4(SERPINC1):c.1256C>T (p.Ala419Val)

Gene: SERPINC1 (serpin family C member 1; minus strand). Cytogenetic location: 1q25.1.
Variant type: single nucleotide variant.
Coding change: c.1256C>T on transcript NM_000488.4 (MANE Select); coding-DNA position 1256, C replaced by T.
Protein change: p.Ala419Val; replaces alanine 419 with valine.
Molecular consequence: missense variant.
Genome position (GRCh38, 1-based): chr1:173,904,028, G>A on the plus strand (C>T on the coding strand, the complement: SERPINC1 is on the minus strand). VCF-style: chr1-173904028-G-A. GRCh37 (hg19) VCF-style: chr1-173873166-G-A.
Other names: A387V; c.1112C>T, p.Ala371Val (NM_001365052.2); c.1379C>T, p.Ala460Val (NM_001386302.1); c.1337C>T, p.Ala446Val (NM_001386303.1); c.1235C>T, p.Ala412Val (NM_001386304.1); c.1199C>T, p.Ala400Val (NM_001386305.1); c.1040C>T, p.Ala347Val (NM_001386306.1); short protein forms A419V, A371V, A347V, A400V, A412V, A446V, A460V.
Identifiers: ClinVar variation 18038 (VCV000018038.6), dbSNP rs121909568, ClinGen allele CA210789.
Genomic context (GRCh38, chr1:173,904,028, plus strand): 5'-GGCCTGTTGGCCTTGAAAGTCACCCTGTTGGGGTTTAGCGAACGGCCAGCAATCACAACA[G>A]CGGTACTTGCAGCTGCTTCACTGCCTTCTTCATTTACCTGCAGGTCACATGGGAAATAAA-3'
Protein context (NP_000479.1, residues 409-429): EEGSEAAAST[Ala419Val]VVIAGRSLNP

ClinVar aggregate classification (germline): Uncertain significance. Review status: criteria provided, multiple submitters, no conflicts (2 of 4 stars). 4 submissions from 4 submitters: Uncertain significance (3). 1 of the submissions does not count toward it. Last evaluated 2024-07-22.

Conditions:
Hereditary antithrombin deficiency (AT3D). Also called: Antithrombin III deficiency; Thrombophilia due to antithrombin III deficiency; Reduced antithrombin III activity; Antithrombin deficiency. Identifiers: Orphanet 82, MedGen C0272375, MONDO:0013144, OMIM 613118, HP:0001976.

Allele frequency attached by ClinVar (database versions not stated): gnomAD exomes below 0.00001; ExAC 0.00001; gnomAD 0.00001; TOPMed 0.00003.
gnomAD v4.1: 2 of 1,614,094 alleles (0.00012%); highest among the groups gnomAD compares: African/African-American, 0.0027%; no homozygotes.

Submissions (4):

GeneDx
Classification: Uncertain significance. Last evaluated: 2024-07-22. Review status: criteria provided, single submitter. Criteria: GeneDx Variant Classification Process June 2021. Collection method: clinical testing. Allele origin: germline. Affected: yes.
Comment: Not observed at significant frequency in large population cohorts (gnomAD); In silico analysis supports that this missense variant has a deleterious effect on protein structure/function; This variant is associated with the following publications: (PMID: 25637381, 24055113, 1483709)

Fulgent Genetics
Classification: Uncertain significance for Hereditary antithrombin deficiency. Last evaluated: 2021-11-04. Review status: criteria provided, single submitter. Criteria: ACMG Guidelines, 2015. Collection method: clinical testing. Allele origin: unknown.

CSER _CC_NCGL, University of Washington
Classification: Uncertain significance for Antithrombin deficiency. Last evaluated: 2014-06-01. Review status: criteria provided, single submitter. Criteria: Amendola et al. (Genome Res. 2015). Collection method: research. Allele origin: germline. Inheritance: Autosomal dominant inheritance. Study: ESP 6500 variant annotation.
Comment: Low GERP score may suggest that this variant may belong in a lower pathogenicity class

Variants classified for the Actionable exomic incidental findings in 6503 participants: challenges of variant classification manuscript

OMIM
Classification: Pathogenic for THROMBOPHILIA DUE TO ANTITHROMBIN III DEFICIENCY. Last evaluated: 1992-12-01. Review status: no assertion criteria provided. Collection method: literature only. Allele origin: germline. Not counted in ClinVar's aggregate classification.

Literature cited by the submitters: PubMed 1483709 (cited by OMIM).